The following is an entry in ClinVar:

NM_022124.6(CDH23):c.7873-8C>G

Gene: CDH23 (cadherin related 23; plus strand). Cytogenetic location: 10q22.1.
Variant type: single nucleotide variant.
Coding change: c.7873-8C>G on transcript NM_022124.6 (MANE Select); 8 bases into the intron before coding-DNA position 7873, C replaced by G.
Molecular consequence: intron variant.
Genome position (GRCh38, 1-based): chr10:71,805,798, C>G. VCF-style: chr10-71805798-C-G. GRCh37 (hg19) VCF-style: chr10-73565555-C-G.
Other names: c.1153-8C>G (NM_001171933.1, NM_001171934.1).
Identifiers: ClinVar variation 1314694 (VCV001314694.5), dbSNP rs376526400, ClinGen allele CA5546468.
Genomic context (GRCh38, chr10:71,805,798, plus strand): 5'-TCCCTCAGGACCTAGGAGCTGAGATTCTTTCAGGGGTCCAGGAGCCTTCCTCCCCATGCT[C>G]CCCACAGGAGATCCCGCTGCGCTCCAACGTGTACGAGGTCTACGCCACGGACAAGGATGA-3'

ClinVar aggregate classification (germline): Conflicting classifications of pathogenicity. Review status: criteria provided, conflicting classifications (1 of 4 stars). 2 submissions from 2 submitters: Uncertain significance (1); Likely benign (1). Last evaluated 2023-06-05.

Allele frequency attached by ClinVar (database versions not stated): gnomAD exomes below 0.00001; ExAC 0.00001; ESP Exome Variant Server 0.00008.

Submissions (2):

Labcorp Genetics (formerly Invitae), Labcorp
Classification: Likely benign. Last evaluated: 2023-06-05. Review status: criteria provided, single submitter. Criteria: Invitae Variant Classification Sherloc (09022015). Collection method: clinical testing. Allele origin: germline.

GeneDx
Classification: Uncertain significance. Last evaluated: 2021-04-13. Review status: criteria provided, single submitter. Criteria: GeneDx Variant Classification Process June 2021. Collection method: clinical testing. Allele origin: germline. Affected: yes.
Comment: Not observed at a significant frequency in large population cohorts (Lek et al., 2016); Has not been previously published as pathogenic or benign to our knowledge; In-silico analysis is inconclusive as to whether the variant alters gene splicing. In the absence of RNA/functional studies, the actual effect of this sequence change is unknown.